The following is an entry in ClinVar:

ClinVar aggregate classification (germline): Uncertain significance. Review status: criteria provided, multiple submitters, no conflicts (2 of 4 stars). 4 submissions from 4 submitters: Uncertain significance (4). Last evaluated 2023-04-11.

Conditions:
Microcephaly 5, primary, autosomal recessive (MCPH5). Also called: ASPM Primary Microcephaly. Identifiers: Orphanet 2512, MedGen C1837501, MONDO:0012106, OMIM 608716.

Allele frequency attached by ClinVar (database versions not stated): gnomAD exomes 0.00014; ExAC 0.00020; gnomAD 0.00039 and 0.00040; TOPMed 0.00055; ESP Exome Variant Server 0.00062; 1000 Genomes Project 0.00080; 1000 Genomes Project 30x 0.00125.
gnomAD v4.1: 125 of 1,613,998 alleles (0.0077%); highest among the groups gnomAD compares: African/African-American, 0.13%; 1 homozygote.

Submissions (4):

Genome-Nilou Lab
Classification: Uncertain significance for Microcephaly 5, primary, autosomal recessive. Last evaluated: 2023-04-11. Review status: criteria provided, single submitter. Criteria: ACMG Guidelines, 2015. Collection method: clinical testing. Allele origin: germline. Affected: no.

Labcorp Genetics (formerly Invitae), Labcorp
Classification: Uncertain significance. Last evaluated: 2022-06-04. Review status: criteria provided, single submitter. Criteria: Invitae Variant Classification Sherloc (09022015). Collection method: clinical testing. Allele origin: germline.
Comment: This sequence change replaces serine, which is neutral and polar, with arginine, which is basic and polar, at codon 580 of the ASPM protein (p.Ser580Arg). This variant is present in population databases (rs147457270, gnomAD 0.1%). This missense change has been observed in individual(s) with clinical features of microcephaly (PMID: 23611254). ClinVar contains an entry for this variant (Variation ID: 157786). Algorithms developed to predict the effect of missense changes on protein structure and function (SIFT, PolyPhen-2, Align-GVGD) all suggest that this variant is likely to be tolerated. In summary, the available evidence is currently insufficient to determine the role of this variant in disease. Therefore, it has been classified as a Variant of Uncertain Significance.

Eurofins Ntd Llc (ga)
Classification: Uncertain significance. Last evaluated: 2016-10-04. Review status: criteria provided, single submitter. Criteria: EGL Classification Definitions 2015. Collection method: clinical testing. Allele origin: germline. Observed: 1 variant allele, 1 heterozygote.

Genetic Services Laboratory, University of Chicago
Classification: Uncertain significance for Microcephaly 5, primary, autosomal recessive. Last evaluated: 2013-02-08. Review status: criteria provided, single submitter. Criteria: ACMG Guidelines, 2007. Collection method: clinical testing. Allele origin: germline. Inheritance: Autosomal recessive inheritance.

Literature cited by the submitters: PubMed 23611254 (cited by Labcorp Genetics (formerly Invitae), Labcorp).

NM_018136.5(ASPM):c.1740C>G (p.Ser580Arg)

Gene: ASPM (assembly factor for spindle microtubules; minus strand). Cytogenetic location: 1q31.3.
Variant type: single nucleotide variant.
Coding change: c.1740C>G on transcript NM_018136.5 (MANE Select); coding-DNA position 1740, C replaced by G.
Protein change: p.Ser580Arg; replaces serine 580 with arginine.
Molecular consequence: missense variant.
Genome position (GRCh38, 1-based): chr1:197,142,512, G>C on the plus strand (C>G on the coding strand, the complement: ASPM is on the minus strand). VCF-style: chr1-197142512-G-C. GRCh37 (hg19) VCF-style: chr1-197111642-G-C.
Other names: c.1740C>G, p.Ser580Arg (NM_001206846.2); short protein forms S580R.
Identifiers: ClinVar variation 157786 (VCV000157786.15), dbSNP rs147457270, ClinGen allele CA271009.
Genomic context (GRCh38, chr1:197,142,512, plus strand): 5'-TTTGATTTCTCGCACTTCTGTATGTTCTGTAATTGCAACTCTCACATTTGCATCTTCCAT[G>C]CTTCCATCGCTCTTTCTTTTCCGAGCAACTGAAGCTGTTGTCGAAGAGGGTGTTACCTCG-3'
Protein context (NP_060606.3, residues 570-590): SVARKRKSDG[Ser580Arg]MEDANVRVAI